The following is an entry in ClinVar:

ClinVar aggregate classification (germline): Pathogenic/Likely pathogenic. Review status: criteria provided, multiple submitters, no conflicts (2 of 4 stars). 4 submissions from 4 submitters: Pathogenic (1); Likely pathogenic (1). 2 of the submissions do not count toward it. Last evaluated 2024-07-23.

Conditions:
MATN3-related disorder. Also called: MATN3-related condition.
Multiple epiphyseal dysplasia. Also called: Multiple epiphyseal dysplasia (disease). Identifiers: Orphanet 251, MedGen C0026760, MONDO:0016648, HP:0002654.
Multiple epiphyseal dysplasia type 5 (EDM5). Also called: MATN3-Related Multiple Epiphyseal Dysplasia; Microepiphyseal dysplasia, bilateral hereditary. Identifiers: Orphanet 93311, MedGen C1846843, MONDO:0011765, OMIM 607078.

Allele frequency attached by ClinVar (database versions not stated): gnomAD exomes below 0.00001; TOPMed below 0.00001; gnomAD 0.00003.
gnomAD v4.1: 3 of 1,609,338 alleles (0.00019%); highest among the groups gnomAD compares: Non-Finnish European, 0.00017%; no homozygotes.

Submissions (4):

Labcorp Genetics (formerly Invitae), Labcorp
Classification: Pathogenic. Last evaluated: 2024-07-23. Review status: criteria provided, single submitter. Criteria: Invitae Variant Classification Sherloc (09022015). Collection method: clinical testing. Allele origin: germline.
Comment: This sequence change replaces alanine, which is neutral and non-polar, with aspartic acid, which is acidic and polar, at codon 219 of the MATN3 protein (p.Ala219Asp). This variant is present in population databases (rs28939677, gnomAD 0.007%). This missense change has been observed in individual(s) with multiple epiphyseal dysplasia (PMID: 14729835, 21922596; Invitae). It has also been observed to segregate with disease in related individuals. ClinVar contains an entry for this variant (Variation ID: 7543). Advanced modeling of protein sequence and biophysical properties (such as structural, functional, and spatial information, amino acid conservation, physicochemical variation, residue mobility, and thermodynamic stability) performed at Invitae indicates that this missense variant is expected to disrupt MATN3 protein function with a positive predictive value of 80%. Experimental studies have shown that this missense change affects MATN3 function (PMID: 16287128). For these reasons, this variant has been classified as Pathogenic.

Blueprint Genetics
Classification: Likely pathogenic for MATN3-related disorders. Last evaluated: 2020-07-27. Review status: criteria provided, single submitter. Criteria: ACMG Guidelines, 2015. Collection method: clinical testing. Allele origin: germline. Affected: yes. Observed: 1 variant allele.

OMIM
Classification: Pathogenic for EPIPHYSEAL DYSPLASIA, MULTIPLE, 5. Last evaluated: 2004-01-01. Review status: no assertion criteria provided. Collection method: literature only. Allele origin: germline. Not counted in ClinVar's aggregate classification.

GeneReviews
No classification provided. Condition: Multiple epiphyseal dysplasia. Review status: no classification provided. Collection method: literature only. Allele origin: germline. Not counted in ClinVar's aggregate classification.

Literature cited by the submitters: PubMed 14729835 (cited by Labcorp Genetics (formerly Invitae), Labcorp and OMIM); PubMed 21922596 (cited by Labcorp Genetics (formerly Invitae), Labcorp); PubMed 16287128 (cited by Labcorp Genetics (formerly Invitae), Labcorp); NCBI Bookshelf NBK1123 (cited by GeneReviews).

NM_002381.5(MATN3):c.656C>A (p.Ala219Asp)

Gene: MATN3 (matrilin 3; minus strand). Cytogenetic location: 2p24.1.
Variant type: single nucleotide variant.
Coding change: c.656C>A on transcript NM_002381.5 (MANE Select); coding-DNA position 656, C replaced by A.
Protein change: p.Ala219Asp; replaces alanine 219 with aspartic acid.
Molecular consequence: missense variant.
Genome position (GRCh38, 1-based): chr2:20,005,878, G>T on the plus strand (C>A on the coding strand, the complement: MATN3 is on the minus strand). VCF-style: chr2-20005878-G-T. GRCh37 (hg19) VCF-style: chr2-20205639-G-T.
Other names: short protein forms A219D.
Identifiers: ClinVar variation 7543 (VCV000007543.6), dbSNP rs28939677, ClinGen allele CA254203.